The following is an entry in ClinVar:

ClinVar aggregate classification (germline): Uncertain significance (1 of 4 stars; one submission).

Conditions:
Dyskeratosis congenita, autosomal dominant 1 (DKCA1). Also called: Dyskeratosis congenita Scoggins type. Identifiers: Orphanet 1775, MedGen C4551974, MONDO:0007485, OMIM 127550. Inheritance: Variable.

Submission:

Labcorp Genetics (formerly Invitae), Labcorp
Classification: Uncertain significance for Dyskeratosis congenita, autosomal dominant 1. Last evaluated: 2023-06-10. Review status: criteria provided, single submitter. Criteria: Invitae Variant Classification Sherloc (09022015). Collection method: clinical testing. Allele origin: germline.
Comment: This variant occurs in the TERC gene, which encodes an RNA molecule that does not result in a protein product. This variant is not present in population databases (gnomAD no frequency). This variant has not been reported in the literature in individuals affected with TERC-related conditions. In summary, the available evidence is currently insufficient to determine the role of this variant in disease. Therefore, it has been classified as a Variant of Uncertain Significance. This variant is located within the conserved regions 4 and 5 (CR4-CR5) domain of the TERC RNA component, which is required for telomerase activity (PMID: 15082312, 21844345).

Literature cited by the submitters: PubMed 15082312; PubMed 21844345.

NC_000003.12:g.169764756C>G

Genes: TERC (telomerase RNA component; minus strand), LOC110806306 (telomerase RNA component (TERC) promoter; plus strand). Cytogenetic location: 3q26.2.
Variant type: single nucleotide variant.
Genome position: GRCh38 VCF-style: chr3-169764756-C-G. GRCh37 (hg19) VCF-style: chr3-169482544-C-G.
Identifiers: ClinVar variation 2709303 (VCV002709303.3), dbSNP rs199422279, ClinGen allele CA436715101.